The following is an entry in ClinVar:

ClinVar aggregate classification (germline): Likely benign. Review status: criteria provided, multiple submitters, no conflicts (2 of 4 stars). 3 submissions from 3 submitters: Likely benign (3). Last evaluated 2024-12-11.

Conditions:
Familial thoracic aortic aneurysm and aortic dissection (TAAD). Also called: Thoracic aortic aneurysms and dissections. Identifiers: Orphanet 91387, MedGen C4707243, MONDO:0019625.
Aortic aneurysm, familial thoracic 4 (AAT4). Also called: AORTIC ANEURYSM/AORTIC DISSECTION AND PATENT DUCTUS ARTERIOSUS. Identifiers: MedGen C1851504, MONDO:0007568, OMIM 132900.

Allele frequency attached by ClinVar (database versions not stated): gnomAD exomes below 0.00001; ExAC 0.00001.
gnomAD v4.1: 6 of 1,614,106 alleles (0.00037%); highest among the groups gnomAD compares: East Asian, 0.0022%; no homozygotes.

Submissions (3):

Labcorp Genetics (formerly Invitae), Labcorp
Classification: Likely benign for Aortic aneurysm, familial thoracic 4. Last evaluated: 2024-12-11. Review status: criteria provided, single submitter. Criteria: Invitae Variant Classification Sherloc (09022015). Collection method: clinical testing. Allele origin: germline.

All of Us Research Program, National Institutes of Health
Classification: Likely benign for Familial thoracic aortic aneurysm and aortic dissection. Last evaluated: 2023-12-13. Review status: criteria provided, single submitter. Criteria: ACMG Guidelines, 2015. Collection method: clinical testing. Allele origin: germline. Inheritance: Autosomal dominant inheritance. Observed: 1 variant allele, 1 heterozygote.
Comment: This study involves interpretation of variants in research participants for the purpose of population health screening. Participant phenotype was not available at the time of variant classification. Additional details can be found in publication PMID: 35346344, PMCID: PMC8962531

Color Diagnostics, LLC DBA Color Health
Classification: Likely benign for Familial thoracic aortic aneurysm and aortic dissection. Last evaluated: 2019-07-19. Review status: criteria provided, single submitter. Criteria: ACMG Guidelines, 2015. Collection method: clinical testing. Allele origin: germline.

NM_002474.3(MYH11):c.890-13C>T

Gene: MYH11 (myosin heavy chain 11; minus strand). Cytogenetic location: 16p13.11.
Variant type: single nucleotide variant.
Coding change: c.890-13C>T on transcript NM_002474.3 (MANE Select); 13 bases into the intron before coding-DNA position 890, C replaced by T.
Molecular consequence: intron variant.
Genome position (GRCh38, 1-based): chr16:15,771,725, G>A on the plus strand (C>T on the coding strand, the complement: MYH11 is on the minus strand). VCF-style: chr16-15771725-G-A. GRCh37 (hg19) VCF-style: chr16-15865582-G-A.
Other names: c.890-13C>T (NM_022844.3); c.911-13C>T (NM_001040114.2, NM_001040113.2).
Identifiers: ClinVar variation 918207 (VCV000918207.7), dbSNP rs757766831, ClinGen allele CA7922780.